The following is an entry in ClinVar:

NM_032776.3(JMJD1C):c.3729A>T (p.Lys1243Asn)

Gene: JMJD1C (jumonji domain containing 1C; minus strand). Cytogenetic location: 10q21.3.
Variant type: single nucleotide variant.
Coding change: c.3729A>T on transcript NM_032776.3 (MANE Select); coding-DNA position 3729, A replaced by T.
Protein change: p.Lys1243Asn; replaces lysine 1243 with asparagine.
Molecular consequence: missense variant. On other transcripts: non-coding transcript variant (1).
Genome position (GRCh38, 1-based): chr10:63,207,940, T>A on the plus strand (A>T on the coding strand, the complement: JMJD1C is on the minus strand). VCF-style: chr10-63207940-T-A. GRCh37 (hg19) VCF-style: chr10-64967700-T-A.
Other names: c.3183A>T, p.Lys1061Asn (NM_001282948.2, NM_001318154.2); c.2865A>T, p.Lys955Asn (NM_001318153.2); c.3615A>T, p.Lys1205Asn (NM_001322252.2); c.3072A>T, p.Lys1024Asn (NM_001322254.2, NM_001322258.2); short protein forms K1243N, K955N, K1024N, K1205N, K1061N.
Identifiers: ClinVar variation 851018 (VCV000851018.9), dbSNP rs1028683855, ClinGen allele CA208371920.

ClinVar aggregate classification (germline): Uncertain significance (1 of 4 stars; one submission).

Conditions:
Early Myoclonic Encephalopathy. Identifiers: MedGen C0270855.

Allele frequency attached by ClinVar (database versions not stated): gnomAD exomes below 0.00001; TOPMed 0.00002; gnomAD 0.00002.
gnomAD v4.1: 7 of 1,614,028 alleles (0.00043%); highest among the groups gnomAD compares: African/African-American, 0.008%; no homozygotes.

Submission:

Labcorp Genetics (formerly Invitae), Labcorp
Classification: Uncertain significance for Early Myoclonic Encephalopathy. Last evaluated: 2021-04-16. Review status: criteria provided, single submitter. Criteria: Invitae Variant Classification Sherloc (09022015). Collection method: clinical testing. Allele origin: germline.
Comment: This variant has not been reported in the literature in individuals with JMJD1C-related conditions. ClinVar contains an entry for this variant (Variation ID: 851018). This variant is not present in population databases (ExAC no frequency). This sequence change replaces lysine with asparagine at codon 1243 of the JMJD1C protein (p.Lys1243Asn). The lysine residue is highly conserved and there is a moderate physicochemical difference between lysine and asparagine. Algorithms developed to predict the effect of missense changes on protein structure and function are either unavailable or do not agree on the potential impact of this missense change (SIFT: "Deleterious"; PolyPhen-2: "Probably Damaging"; Align-GVGD: "Class C0"). In summary, the available evidence is currently insufficient to determine the role of this variant in disease. Therefore, it has been classified as a Variant of Uncertain Significance.